The following is an entry in ClinVar:

ClinVar aggregate classification (germline): Uncertain significance (1 of 4 stars; one submission).

gnomAD v4.1: 1 of 1,614,042 alleles (0.000062%); highest among the groups gnomAD compares: Non-Finnish European, 0.000085%; no homozygotes.

Submission:

Labcorp Genetics (formerly Invitae), Labcorp
Classification: Uncertain significance. Last evaluated: 2025-11-23. Review status: criteria provided, single submitter. Criteria: Invitae Variant Classification Sherloc (09022015). Collection method: clinical testing. Allele origin: germline.
Comment: This sequence change replaces glutamine, which is neutral and polar, with lysine, which is basic and polar, at codon 3 of the SCN3A protein (p.Gln3Lys). This variant is not present in population databases (gnomAD no frequency). This variant has not been reported in the literature in individuals affected with SCN3A-related conditions. Invitae Evidence Modeling of protein sequence and biophysical properties (such as structural, functional, and spatial information, amino acid conservation, physicochemical variation, residue mobility, and thermodynamic stability) indicates that this missense variant is not expected to disrupt SCN3A protein function with a negative predictive value of 95%. In summary, the available evidence is currently insufficient to determine the role of this variant in disease. Therefore, it has been classified as a Variant of Uncertain Significance.

NM_006922.4(SCN3A):c.7C>A (p.Gln3Lys)

Gene: SCN3A (sodium voltage-gated channel alpha subunit 3; minus strand). Cytogenetic location: 2q24.3.
Variant type: single nucleotide variant.
Coding change: c.7C>A on transcript NM_006922.4 (MANE Select); coding-DNA position 7, C replaced by A.
Protein change: p.Gln3Lys; replaces glutamine 3 with lysine.
Molecular consequence: missense variant.
Genome position (GRCh38, 1-based): chr2:165,176,388, G>T on the plus strand (C>A on the coding strand, the complement: SCN3A is on the minus strand). VCF-style: chr2-165176388-G-T. GRCh37 (hg19) VCF-style: chr2-166032898-G-T.
Other names: c.7C>A, p.Gln3Lys (NM_001081676.2, NM_001081677.2); short protein forms Q3K.
Identifiers: ClinVar variation 4800251 (VCV004800251.1).